The following is an entry in ClinVar:

NM_000089.4(COL1A2):c.3451A>G (p.Thr1151Ala)

Gene: COL1A2 (collagen type I alpha 2 chain; plus strand). Cytogenetic location: 7q21.3.
Variant type: single nucleotide variant.
Coding change: c.3451A>G on transcript NM_000089.4 (MANE Select); coding-DNA position 3451, A replaced by G.
Protein change: p.Thr1151Ala; replaces threonine 1151 with alanine.
Molecular consequence: missense variant.
Genome position (GRCh38, 1-based): chr7:94,427,810, A>G. VCF-style: chr7-94427810-A-G. GRCh37 (hg19) VCF-style: chr7-94057122-A-G.
Other names: short protein forms T1151A.
Identifiers: ClinVar variation 3907460 (VCV003907460.1).

ClinVar aggregate classification (germline): Uncertain significance (1 of 4 stars; one submission).

gnomAD v4.1: 1 of 1,613,948 alleles (0.000062%); highest among the groups gnomAD compares: Non-Finnish European, 0.000085%; no homozygotes.

Submission:

Women's Health and Genetics/Laboratory Corporation of America, LabCorp
Classification: Uncertain significance. Last evaluated: 2025-06-02. Review status: criteria provided, single submitter. Criteria: LabCorp Variant Classification Summary - May 2015. Collection method: clinical testing. Allele origin: germline.
Comment: Variant summary: COL1A2 c.3451A>G (p.Thr1151Ala) results in a non-conservative amino acid change in the encoded protein sequence. Algorithms developed to predict the effect of missense changes on protein structure and function are either unavailable or do not agree on the potential impact of this missense change. The variant was absent in 250874 control chromosomes. The available data on variant occurrences in the general population are insufficient to allow any conclusion about variant significance. To our knowledge, no occurrence of c.3451A>G in individuals affected with Ehlers-Danlos syndrome, cardiac valvular type and no experimental evidence demonstrating its impact on protein function have been reported. No submitters have cited clinical-significance assessments for this variant to ClinVar. Based on the evidence outlined above, the variant was classified as uncertain significance.